The following is an entry in ClinVar:

ClinVar aggregate classification (germline): Uncertain significance (1 of 4 stars; one submission).

Allele frequency attached by ClinVar (database versions not stated): gnomAD exomes below 0.00001.
gnomAD v4.1: 3 of 1,614,198 alleles (0.00019%); highest among the groups gnomAD compares: Non-Finnish European, 0.00017%; no homozygotes.

Submission:

GeneDx
Classification: Uncertain significance. Last evaluated: 2026-07-10. Review status: criteria provided, single submitter. Criteria: GeneDx Variant Classification Process June 2021. Collection method: clinical testing. Allele origin: germline.
Comment: Not observed at significant frequency in large population cohorts (gnomAD); In silico analysis supports that this missense variant has a deleterious effect on protein structure/function; Has not been previously published as pathogenic or benign to our knowledge

NM_001371623.1(TCOF1):c.323C>T (p.Thr108Ile)

Gene: TCOF1 (treacle ribosome biogenesis factor 1; plus strand). Cytogenetic location: 5q32.
Variant type: single nucleotide variant.
Coding change: c.323C>T on transcript NM_001371623.1 (MANE Select); coding-DNA position 323, C replaced by T.
Protein change: p.Thr108Ile; replaces threonine 108 with isoleucine.
Molecular consequence: missense variant.
Genome position (GRCh38, 1-based): chr5:150,367,862, C>T. VCF-style: chr5-150367862-C-T. GRCh37 (hg19) VCF-style: chr5-149747425-C-T.
Other names: c.323C>T, p.Thr108Ile (NM_000356.4, NM_001008657.3, NM_001135243.2 and 3 more transcripts); short protein forms T108I.
Identifiers: ClinVar variation 2502118 (VCV002502118.2), dbSNP rs2533015102, ClinGen allele CA361733279.
Genomic context (GRCh38, chr5:150,367,862, plus strand): 5'-AAAGCTCATCTGGCTCCTTTAGCAGATGTTTGTTTCTTGCAGCCCCAAGACTAGCATCTA[C>T]CAACTCCTCAGTCCTGGGGGCGGACTTGCCATCAAGCATGAAAGAAAAAGCCAAGGTGAG-3'
Protein context (NP_001358552.1, residues 98-118): TAKATPRLAS[Thr108Ile]NSSVLGADLP